The following is an entry in ClinVar:

ClinVar aggregate classification (germline): Uncertain significance (1 of 4 stars; one submission).

Submission:

GeneDx
Classification: Uncertain significance. Last evaluated: 2022-05-05. Review status: criteria provided, single submitter. Criteria: GeneDx Variant Classification Process June 2021. Collection method: clinical testing. Allele origin: germline. Affected: yes.
Comment: Not observed in large population cohorts (gnomAD); In silico analysis supports that this missense variant does not alter protein structure/function; Has not been previously published as pathogenic or benign to our knowledge

NM_001365999.1(SZT2):c.5572A>G (p.Ser1858Gly)

Gene: SZT2 (SZT2 subunit of KICSTOR complex; plus strand). Cytogenetic location: 1p34.2.
Variant type: single nucleotide variant.
Coding change: c.5572A>G on transcript NM_001365999.1 (MANE Select); coding-DNA position 5572, A replaced by G.
Protein change: p.Ser1858Gly; replaces serine 1858 with glycine.
Molecular consequence: missense variant.
Genome position (GRCh38, 1-based): chr1:43,432,769, A>G. VCF-style: chr1-43432769-A-G. GRCh37 (hg19) VCF-style: chr1-43898440-A-G.
Other names: c.5401A>G, p.Ser1801Gly (NM_015284.4); short protein forms S1801G, S1858G.
Identifiers: ClinVar variation 1683971 (VCV001683971.2), dbSNP rs779904413, ClinGen allele CA340025707.